The following is an entry in ClinVar:

NM_139027.6(ADAMTS13):c.1436-7C>G

Gene: ADAMTS13 (ADAM metallopeptidase with thrombospondin type 1 motif 13; plus strand). Cytogenetic location: 9q34.2.
Variant type: single nucleotide variant.
Coding change: c.1436-7C>G on transcript NM_139027.6 (MANE Select); 7 bases into the intron before coding-DNA position 1436, C replaced by G.
Molecular consequence: intron variant.
Genome position (GRCh38, 1-based): chr9:133,437,742, C>G. VCF-style: chr9-133437742-C-G. GRCh37 (hg19) VCF-style: chr9-136302862-C-G.
Other names: p.?; c.1436-7C>G (NM_139025.5, NM_139025.4); c.1343-7C>G (NM_139026.6).
Identifiers: ClinVar variation 3596658 (VCV003596658.2).

ClinVar aggregate classification (germline): Conflicting classifications of pathogenicity. Review status: criteria provided, conflicting classifications (1 of 4 stars). 2 submissions from 2 submitters: Uncertain significance (1); Likely benign (1). Last evaluated 2025-09-09.

Conditions:
Upshaw-Schulman syndrome (TTP). Also called: THROMBOTIC THROMBOCYTOPENIC PURPURA, HEREDITARY; Congenital thrombotic thrombocytopenic purpura. Identifiers: Orphanet 93583, MedGen C1268935, MONDO:0010122, OMIM 274150.

Submissions (2):

Mayo Clinic Laboratories, Mayo Clinic
Classification: Likely benign. Last evaluated: 2025-09-09. Review status: criteria provided, single submitter. Criteria: ACMG Guidelines, 2015. Collection method: clinical testing. Allele origin: germline. Observed: 1 variant allele.
Comment: BP4, BP7, PM2_supporting

Fulgent Genetics
Classification: Uncertain significance for Upshaw-Schulman syndrome. Last evaluated: 2024-02-13. Review status: criteria provided, single submitter. Criteria: ACMG Guidelines, 2015. Collection method: clinical testing. Allele origin: germline.